The following is an entry in ClinVar:

NM_172364.5(CACNA2D4):c.2287C>T (p.Arg763Trp)

Gene: CACNA2D4 (calcium voltage-gated channel auxiliary subunit alpha2delta 4; minus strand). Cytogenetic location: 12p13.33.
Variant type: single nucleotide variant.
Coding change: c.2287C>T on transcript NM_172364.5 (MANE Select); coding-DNA position 2287, C replaced by T.
Protein change: p.Arg763Trp; replaces arginine 763 with tryptophan.
Molecular consequence: missense variant.
Genome position (GRCh38, 1-based): chr12:1,846,649, G>A on the plus strand (C>T on the coding strand, the complement: CACNA2D4 is on the minus strand). VCF-style: chr12-1846649-G-A. GRCh37 (hg19) VCF-style: chr12-1955815-G-A.
Other names: short protein forms R763W.
Identifiers: ClinVar variation 883594 (VCV000883594.14), dbSNP rs774789475, ClinGen allele CA6386756.

ClinVar aggregate classification (germline): Uncertain significance. Review status: criteria provided, multiple submitters, no conflicts (2 of 4 stars). 3 submissions from 3 submitters: Uncertain significance (3). Last evaluated 2025-08-21.

Conditions:
Retinal cone dystrophy 4 (RCD4). Identifiers: Orphanet 1872, MedGen C1864849, MONDO:0012507, OMIM 610478.

Allele frequency attached by ClinVar (database versions not stated): gnomAD below 0.00001 and 0.00001; gnomAD exomes 0.00001 and 0.00002; TOPMed 0.00002; ExAC 0.00004.
gnomAD v4.1: 20 of 1,604,028 alleles (0.0012%); highest among the groups gnomAD compares: South Asian, 0.013%; 1 homozygote.

Submissions (3):

Labcorp Genetics (formerly Invitae), Labcorp
Classification: Uncertain significance. Last evaluated: 2025-08-21. Review status: criteria provided, single submitter. Criteria: Invitae Variant Classification Sherloc (09022015). Collection method: clinical testing. Allele origin: germline.
Comment: This sequence change replaces arginine, which is basic and polar, with tryptophan, which is neutral and slightly polar, at codon 763 of the CACNA2D4 protein (p.Arg763Trp). The frequency data for this variant in the population databases is considered unreliable, as metrics indicate poor data quality at this position in the gnomAD database. This variant has not been reported in the literature in individuals affected with CACNA2D4-related conditions. ClinVar contains an entry for this variant (Variation ID: 883594). An algorithm developed to predict the effect of missense changes on protein structure and function (PolyPhen-2) suggests that this variant is likely to be disruptive. In summary, the available evidence is currently insufficient to determine the role of this variant in disease. Therefore, it has been classified as a Variant of Uncertain Significance.

Blueprint Genetics
Classification: Uncertain significance. Last evaluated: 2024-11-11. Review status: criteria provided, single submitter. Criteria: ACMG Guidelines, 2015. Collection method: clinical testing. Allele origin: germline.

Illumina Laboratory Services, Illumina
Classification: Uncertain significance for Retinal cone dystrophy 4. Last evaluated: 2018-01-13. Review status: criteria provided, single submitter. Criteria: ICSL Variant Classification Criteria 13 December 2019. Collection method: clinical testing. Allele origin: germline.